The following is an entry in ClinVar:

ClinVar aggregate classification (germline): Uncertain significance. Review status: reviewed by expert panel (3 of 4 stars). 5 submissions from 5 submitters: Uncertain significance (1). 4 of the submissions do not count toward it. Last evaluated 2026-09-21.

Conditions:
BRCA1-related cancer predisposition. Identifiers: MedGen CN377757, MONDO:0700268.
Hereditary cancer-predisposing syndrome. Also called: Hereditary Cancer Syndrome; Neoplastic Syndromes, Hereditary; Hereditary neoplastic syndrome; Tumor predisposition. Identifiers: Orphanet 140162, MedGen C0027672, MeSH D009386, MONDO:0015356.
Hereditary breast ovarian cancer syndrome. Also called: Hereditary breast and ovarian cancer syndrome (HBOC); Breast and ovarian cancer; Hereditary breast and ovarian cancer syndrome; Hereditary breast and ovarian cancer; BRCA1- and BRCA2-Associated Hereditary Breast and Ovarian Cancer; Hereditary breast and/or ovarian cancer syndrome. Identifiers: Orphanet 145, MedGen C0677776, MeSH D061325, MONDO:0003582. Disease mechanism: loss of function.
Breast-ovarian cancer, familial, susceptibility to, 1 (BROVCA1). Also called: BRCA1 Hereditary Breast and Ovarian Cancer; OVARIAN CANCER, SUSCEPTIBILITY TO. Identifiers: Orphanet 145, MedGen C2676676, MONDO:0011450, OMIM 604370. Disease mechanism: loss of function.

Submissions (5):

ClinGen ENIGMA BRCA1 and BRCA2 Variant Curation Expert Panel, ClinGen
Classification: Uncertain significance for BRCA1-related cancer predisposition. Last evaluated: 2026-09-21. Review status: reviewed by expert panel. Criteria: CSpec BRCA1/2ACMG Rules Specifications V1.2. Collection method: curation. Allele origin: germline. Inheritance: Autosomal dominant inheritance.
Comment: The c.670+1del variant is an intronic variant within the native donor 1,2 splice site occurring in intron 9(10) of the BRCA1 gene. Legacy exon numbering is shown in parentheses. This deletion variant was not observed in gnomAD v4.1, but PM2_Supporting was not applied since recall is considered suboptimal for this type of variant (PM2_Supporting not met). This BRCA1 intronic variant is located inside the canonical splice donor site (+/- 1,2), and has a SpliceAI donor loss score of 0.79 and a donor gain score of 1, predicting an impact on splicing (score threshold ≥0.2) (PP3_N/A for variants inside the donor/acceptor 1,2 sites)). This variant is reported to result in aberrant mRNA splicing. Mini-gene demonstrated that the variant impacts splicing by usage of a cryptic splice site, in agreement with SpliceAI prediction (PMID: 24667779). Frameshift variants in exon 9(10) are expected to be functionally rescued by normal levels of the naturally occurring splicing isoform Δ(E8,9) [Δ(E9,10)] (PMIDs:24569164 and 27008870) (PVS1_N/A). The ENIGMA BRCA1/2 VCEP considered multiple lines of functional and clinical evidence to define exon-specific weights for PTC in BRCA1, and results indicate that no evidence towards pathogenicity may be applied for a PTC variant in exon 9(10) (PM5_N/A). In summary, this variant did not meet any criteria and is classified as a Variant of uncertain significance for BRCA1-related cancer predisposition based on the ACMG/AMP criteria applied as specified by the ENIGMA BRCA1/2 VCEP (v1.2).

Ambry Genetics
Classification: Uncertain significance for Hereditary cancer-predisposing syndrome. Last evaluated: 2026-06-02. Review status: criteria provided, single submitter. Criteria: Ambry Variant Classification Scheme 2023. Collection method: clinical testing. Allele origin: germline. Not counted in ClinVar's aggregate classification.
Comment: The c.670+1delG intronic variant, located in intron 8 of the BRCA1 gene, results from a deletion of one nucleotide within intron 8 of the BRCA1 gene. Alterations that disrupt the canonical splice site are expected to cause aberrant splicing, resulting in an abnormal protein or a transcript that is subject to nonsense-mediated mRNA decay; however, this alteration occurs at a splice junction that is located at a naturally occurring, alternatively spliced exon and, thus, the degree and effects of abnormal splicing cannot be predicted (Colombo M et al. Hum. Mol. Genet., 2014 Jul;23:3666-80). This nucleotide position is well conserved in available vertebrate species. In silico splice site analysis predicts that this alteration will weaken the native splice donor site and will result in the creation or strengthening of a novel splice donor site. This prediction is supported by the literature which shows by mini-gene that splicing occurs one nucleotide into the foregoing exon (Steffensen AY et al. Eur. J. Hum. Genet., 2014 Dec;22:1362-8). Based on the available evidence, the clinical significance of this variant remains unclear.

Center for Genomic Medicine, Rigshospitalet, Copenhagen University Hospital
Classification: Uncertain significance. Last evaluated: 2025-03-04. Review status: criteria provided, single submitter. Criteria: ACMG Guidelines, 2015. Collection method: clinical testing. Allele origin: germline. Not counted in ClinVar's aggregate classification.

Labcorp Genetics (formerly Invitae), Labcorp
Classification: Uncertain significance for Hereditary breast ovarian cancer syndrome. Last evaluated: 2025-02-27. Review status: criteria provided, single submitter. Criteria: Invitae Variant Classification Sherloc (09022015). Collection method: clinical testing. Allele origin: germline. Not counted in ClinVar's aggregate classification.
Comment: This sequence change affects a splice site in intron 9 of the BRCA1 gene. Loss-of-function variants in BRCA1 are expected to be pathogenic (PMID: 20104584). However, an in-frame BRCA1 isoform lacking exons 8 and 9 (also known as exons 9 and 10) is highly expressed in blood from unaffected individuals and in normal breast tissue; this isoform may retain protein function and could functionally rescue loss-of-function variants within exons 8-9 (PMID: 24569164). This variant is not present in population databases (gnomAD no frequency). This variant has not been reported in the literature in individuals affected with BRCA1-related conditions. ClinVar contains an entry for this variant (Variation ID: 267611). Studies have shown disruption of this splice site is associated with multiple isoforms, but one or more of the resulting mRNA isoform(s) may be naturally occurring (PMID: 24569164, 32398771; internal data). In summary, the available evidence is currently insufficient to determine the role of this variant in disease. Therefore, it has been classified as a Variant of Uncertain Significance.

Consortium of Investigators of Modifiers of BRCA1/2 (CIMBA), c/o University of Cambridge
Classification: Pathogenic for Breast-ovarian cancer, familial, susceptibility to, 1. Last evaluated: 2015-10-02. Review status: flagged submission. Criteria: CIMBA Mutation Classification guidelines May 2016. Collection method: clinical testing. Allele origin: germline. Not counted in ClinVar's aggregate classification.
ClinVar note: Reason: Outlier claim with insufficient supporting evidence

Literature cited by the submitters: PubMed 24569164 (cited by Ambry Genetics and Labcorp Genetics (formerly Invitae), Labcorp); PubMed 24667779 (cited by Ambry Genetics and Center for Genomic Medicine, Rigshospitalet, Copenhagen University Hospital); PubMed 20104584 (cited by Labcorp Genetics (formerly Invitae), Labcorp); PubMed 32398771 (cited by Labcorp Genetics (formerly Invitae), Labcorp).

NM_007294.4(BRCA1):c.670+1del

Gene: BRCA1 (BRCA1 DNA repair associated; minus strand). Cytogenetic location: 17q21.31.
Variant type: Deletion.
Coding change: c.670+1del on transcript NM_007294.4 (MANE Select); the canonical splice donor site of the intron after coding-DNA position 670, one base deleted (G; older notation c.670+1delG).
Molecular consequence: splice donor variant. On other transcripts: intron variant (115).
Genome position (GRCh38, 1-based): chr17:43,095,845, C deleted on the plus strand (G on the coding strand, the reverse complement: BRCA1 is on the minus strand); the first of 3 consecutive C bases (chr17:43,095,845-43,095,847); deleting any one gives the same sequence. VCF-style (leftmost placement, unchanged base first): chr17-43095844-AC-A. GRCh37 (hg19) VCF-style: chr17-41247861-AC-A.
Other names: c.670+1delG (NM_007294.3); c.667+1del (NM_001407612.1, NM_001408424.1, NM_001408407.1 and 41 more transcripts); c.548-985del (NM_001408440.1, NM_001408428.1, NM_001407678.1 and 34 more transcripts); c.670+1del (NM_001408418.1, NM_001407981.1, NM_007298.4 and 58 more transcripts); c.457+1del (NM_001407917.1, NM_001407897.1, NM_001407896.1 and 12 more transcripts); c.526+1del (NM_001408462.1, NM_001407843.1, NM_001408465.1 and 26 more transcripts); c.460+1del (NM_001407902.1, NM_001408514.1, NM_001408482.1 and 27 more transcripts); c.592+1del (NM_001408414.1, NM_001408411.1, NM_001407655.1 and 9 more transcripts); and 18 more.
Identifiers: ClinVar variation 267611 (VCV000267611.19), dbSNP rs886040922, ClinGen allele CA10602599.